The following is an entry in ClinVar:

ClinVar aggregate classification (germline): Benign. Review status: criteria provided, multiple submitters, no conflicts (2 of 4 stars). 2 submissions from 2 submitters: Benign (2). Last evaluated 2026-02-04.

Allele frequency attached by ClinVar (database versions not stated): 1000 Genomes Project 30x 0.89725; TOPMed 0.89832.
gnomAD v4.1: 1,377,408 of 1,606,178 alleles (86%); highest among the groups gnomAD compares: African/African-American, 97%; 591,867 homozygotes.

Submissions (2):

Labcorp Genetics (formerly Invitae), Labcorp
Classification: Benign. Last evaluated: 2026-02-04. Review status: criteria provided, single submitter. Criteria: Invitae Variant Classification Sherloc (09022015). Collection method: clinical testing. Allele origin: germline.

Laboratory for Molecular Medicine, Mass General Brigham Personalized Medicine
Classification: Benign. Last evaluated: 2023-03-30. Review status: criteria provided, single submitter. Criteria: ACMG Guidelines, 2015. Collection method: clinical testing. Allele origin: germline.
Comment: The p.Thr405Thr variant in CEACAM16 is classified as benign because it has been identified in 96.8% (40107/41446) of African chromosomes by gnomAD. Additionally it does not alter an amino acid residue, is not located within the splice consensus site, and computational splice prediction tools do not predict an impact on splicing. ACMG/AMP Criteria applied: BA1, BP4, BP7.

NM_001039213.4(CEACAM16):c.1215T>C (p.Thr405=)

Genes: CEACAM16 (CEA cell adhesion molecule 16, tectorial membrane component; plus strand), CEACAM16-AS1 (CEACAM16, CEACAM19 and PVR antisense RNA 1; minus strand). Cytogenetic location: 19q13.32.
Variant type: single nucleotide variant.
Coding change: c.1215T>C on transcript NM_001039213.4 (MANE Select); coding-DNA position 1215, T replaced by C.
Protein change: p.Thr405=; no amino-acid change (threonine 405 retained).
Molecular consequence: synonymous variant.
Genome position (GRCh38, 1-based): chr19:44,708,135, T>C. VCF-style: chr19-44708135-T-C. GRCh37 (hg19) VCF-style: chr19-45211407-C-C.
Identifiers: ClinVar variation 769228 (VCV000769228.12), dbSNP rs61744497, ClinGen allele CA308873090.